The following is an entry in ClinVar:

ClinVar aggregate classification (germline): Pathogenic (1 of 4 stars; one submission).

Conditions:
Fanconi anemia complementation group O. Also called: RAD51C-Related Fanconi Anemia. Identifiers: Orphanet 84, MedGen C3150653, MONDO:0013248, OMIM 613390.

Submission:

Labcorp Genetics (formerly Invitae), Labcorp
Classification: Pathogenic for Fanconi anemia complementation group O. Last evaluated: 2025-10-23. Review status: criteria provided, single submitter. Criteria: Invitae Variant Classification Sherloc (09022015). Collection method: clinical testing. Allele origin: germline.
Comment: This sequence change creates a premature translational stop signal (p.Lys188Asnfs*53) in the RAD51C gene. It is expected to result in an absent or disrupted protein product. Loss-of-function variants in RAD51C are known to be pathogenic (PMID: 20400964, 21990120, 24800917, 29278735). This variant is not present in population databases (gnomAD no frequency). This variant has not been reported in the literature in individuals affected with RAD51C-related conditions. For these reasons, this variant has been classified as Pathogenic.

Literature cited by the submitters: PubMed 20400964; PubMed 21990120; PubMed 24800917; PubMed 29278735.

NM_058216.3(RAD51C):c.559_563dup (p.Lys188fs)

Gene: RAD51C (RAD51 paralog C; plus strand). Cytogenetic location: 17q22.
Variant type: Duplication.
Coding change: c.559_563dup on transcript NM_058216.3 (MANE Select); coding-DNA positions 559 to 563, 5 bases duplicated (CACAA; older notation c.559_563dupCACAA).
Protein change: p.Lys188fs; shifts the reading frame from lysine 188.
Molecular consequence: frameshift variant.
Genome position (GRCh38, 1-based): chr17:58,696,847-58,696,851, CACAA duplicated; duplicating any 5 consecutive bases within chr17:58,696,845-58,696,851 gives the same sequence; the c. name uses the placement nearest the transcript's 3' end. VCF-style (leftmost placement, unchanged base first): chr17-58696844-A-AAACAC. GRCh37 (hg19) VCF-style: chr17-56774205-A-AAACAC.
Other names: short protein forms K188fs.
Identifiers: ClinVar variation 4729709 (VCV004729709.1).
Genomic context (GRCh38, chr17:58,696,844, plus strand): 5'-GTTGATAGAGTGGTAGACCTTGCTACTGCCTGCATTCAGCACCTTCAGCTTATAGCAGAA[A>AAACAC]AACACAAGGGAGAGGGTAAGTTAGTAAATGATCTTCTTTTTTTCTGTATTAATAAAAGTA-3'